The following is an entry in ClinVar:

NM_001849.4(COL6A2):c.653C>T (p.Thr218Ile)

Gene: COL6A2 (collagen type VI alpha 2 chain; plus strand). Cytogenetic location: 21q22.3.
Variant type: single nucleotide variant.
Coding change: c.653C>T on transcript NM_001849.4 (MANE Select); coding-DNA position 653, C replaced by T.
Protein change: p.Thr218Ile; replaces threonine 218 with isoleucine.
Molecular consequence: missense variant.
Genome position (GRCh38, 1-based): chr21:46,112,516, C>T. VCF-style: chr21-46112516-C-T. GRCh37 (hg19) VCF-style: chr21-47532430-C-T.
Other names: c.653C>T, p.Thr218Ile (NM_058174.3, NM_058175.3); short protein forms T218I.
Identifiers: ClinVar variation 1962141 (VCV001962141.8), dbSNP rs2078418061, ClinGen allele CA410522174.

ClinVar aggregate classification (germline): Uncertain significance. Review status: criteria provided, multiple submitters, no conflicts (2 of 4 stars). 2 submissions from 2 submitters: Uncertain significance (2). Last evaluated 2023-07-30.

Conditions:
Bethlem myopathy 1A. Also called: MYOPATHY, BENIGN CONGENITAL, WITH CONTRACTURES; Bethlem myopathy 1; Bethlem Muscular Dystrophy. Identifiers: Orphanet 610, MedGen CN029274, MONDO:0024530, OMIM 158810.

gnomAD v4.1: 1 of 1,606,206 alleles (0.000062%); highest among the groups gnomAD compares: Non-Finnish European, 0.000085%; no homozygotes.

Submissions (2):

Labcorp Genetics (formerly Invitae), Labcorp
Classification: Uncertain significance for Bethlem myopathy 1A. Last evaluated: 2023-07-30. Review status: criteria provided, single submitter. Criteria: Invitae Variant Classification Sherloc (09022015). Collection method: clinical testing. Allele origin: germline.
Comment: ClinVar contains an entry for this variant (Variation ID: 1962141). This variant has not been reported in the literature in individuals affected with COL6A2-related conditions. This variant is not present in population databases (gnomAD no frequency). This sequence change replaces threonine, which is neutral and polar, with isoleucine, which is neutral and non-polar, at codon 218 of the COL6A2 protein (p.Thr218Ile). In summary, the available evidence is currently insufficient to determine the role of this variant in disease. Therefore, it has been classified as a Variant of Uncertain Significance. Advanced modeling of protein sequence and biophysical properties (such as structural, functional, and spatial information, amino acid conservation, physicochemical variation, residue mobility, and thermodynamic stability) performed at Invitae indicates that this missense variant is not expected to disrupt COL6A2 protein function.

Revvity Omics, Revvity
Classification: Uncertain significance. Last evaluated: 2021-03-01. Review status: criteria provided, single submitter. Criteria: ACMG Guidelines, 2015. Collection method: clinical testing. Allele origin: germline.